The following is an entry in ClinVar:

NM_032790.4(ORAI1):c.165G>T (p.Trp55Cys)

Genes: ORAI1 (ORAI calcium release-activated calcium modulator 1; plus strand), LOC130008987 (ATAC-STARR-seq lymphoblastoid silent region 4981; plus strand). Cytogenetic location: 12q24.31.
Variant type: single nucleotide variant.
Coding change: c.165G>T on transcript NM_032790.4 (MANE Select); coding-DNA position 165, G replaced by T.
Protein change: p.Trp55Cys; replaces tryptophan 55 with cysteine.
Molecular consequence: missense variant. On other transcripts: non-coding transcript variant (1).
Genome position (GRCh38, 1-based): chr12:121,626,912, G>T. VCF-style: chr12-121626912-G-T. GRCh37 (hg19) VCF-style: chr12-122064818-G-T.
Other names: short protein forms W55C.
Identifiers: ClinVar variation 2936808 (VCV002936808.3), dbSNP rs990333819, ClinGen allele CA244608450.

ClinVar aggregate classification (germline): Uncertain significance (1 of 4 stars; one submission).

Conditions:
Combined immunodeficiency due to ORAI1 deficiency. Also called: IMMUNODEFICIENCY 9. Identifiers: Orphanet 169090, Orphanet 317428, MedGen C2748568, MONDO:0013007, OMIM 612782.
Myopathy, tubular aggregate, 2 (TAM2). Identifiers: MedGen C4014557, MONDO:0014383, OMIM 615883.

Allele frequency attached by ClinVar (database versions not stated): TOPMed 0.00001.

Submission:

Labcorp Genetics (formerly Invitae), Labcorp
Classification: Uncertain significance for Myopathy, tubular aggregate, 2; Combined immunodeficiency due to ORAI1 deficiency. Last evaluated: 2025-02-25. Review status: criteria provided, single submitter. Criteria: Invitae Variant Classification Sherloc (09022015). Collection method: clinical testing. Allele origin: germline.
Comment: This sequence change replaces tryptophan, which is neutral and slightly polar, with cysteine, which is neutral and slightly polar, at codon 55 of the ORAI1 protein (p.Trp55Cys). This variant is not present in population databases (gnomAD no frequency). This variant has not been reported in the literature in individuals affected with ORAI1-related conditions. ClinVar contains an entry for this variant (Variation ID: 2936808). Experimental studies and prediction algorithms are not available or were not evaluated, and the functional significance of this variant is currently unknown. In summary, the available evidence is currently insufficient to determine the role of this variant in disease. Therefore, it has been classified as a Variant of Uncertain Significance.